The following is an entry in ClinVar:

NM_020971.3(SPTBN4):c.1798C>G (p.Arg600Gly)

Gene: SPTBN4 (spectrin beta, non-erythrocytic 4; plus strand). Cytogenetic location: 19q13.2.
Variant type: single nucleotide variant.
Coding change: c.1798C>G on transcript NM_020971.3 (MANE Select); coding-DNA position 1798, C replaced by G.
Protein change: p.Arg600Gly; replaces arginine 600 with glycine.
Molecular consequence: missense variant.
Genome position (GRCh38, 1-based): chr19:40,506,368, C>G. VCF-style: chr19-40506368-C-G. GRCh37 (hg19) VCF-style: chr19-41012275-C-G.
Other names: short protein forms R600G.
Identifiers: ClinVar variation 4530857 (VCV004530857.2).
Genomic context (GRCh38, chr19:40,506,368, plus strand): 5'-CTGGAGGGAGACATTGCCGCCCAGAGCGAGCGGGTGGAGGCTCTCAATGCCGCTGCCCTG[C>G]GCTTCTCCCAGCTGCAGGGTGAGTCTTGGGGCTGGGGCTGGGGCTATGGGTGGAGACTGT-3'
Protein context (NP_066022.2, residues 590-610): RVEALNAAAL[Arg600Gly]FSQLQGYQPC

ClinVar aggregate classification (germline): Uncertain significance (1 of 4 stars; one submission).

Submission:

GeneDx
Classification: Uncertain significance. Last evaluated: 2026-09-02. Review status: criteria provided, single submitter. Criteria: GeneDx Variant Classification Process June 2021. Collection method: clinical testing. Allele origin: germline.
Comment: Not observed at significant frequency in large population cohorts (gnomAD); In silico analysis supports that this missense variant has a deleterious effect on protein structure/function; Has not been previously published as pathogenic or benign to our knowledge